The following is an entry in ClinVar:

NM_001029883.3(PCARE):c.786G>C (p.Glu262Asp)

Gene: PCARE (photoreceptor cilium actin regulator; minus strand). Cytogenetic location: 2p23.2.
Variant type: single nucleotide variant.
Coding change: c.786G>C on transcript NM_001029883.3 (MANE Select); coding-DNA position 786, G replaced by C.
Protein change: p.Glu262Asp; replaces glutamic acid 262 with aspartic acid.
Molecular consequence: missense variant.
Genome position (GRCh38, 1-based): chr2:29,073,476, C>G on the plus strand (G>C on the coding strand, the complement: PCARE is on the minus strand). VCF-style: chr2-29073476-C-G. GRCh37 (hg19) VCF-style: chr2-29296342-C-G.
Other names: short protein forms E262D.
Identifiers: ClinVar variation 1493471 (VCV001493471.8), dbSNP rs2148416737, ClinGen allele CA346481555.
Genomic context (GRCh38, chr2:29,073,476, plus strand): 5'-ATTGAGCACCTGCAGCTTGCTGACTGTGTACTGTAGCAGCTGTTGCAGGAGATTTGGCTG[C>G]TCCTGGGGCTCTCTTTTCTTCAAAGGCCAAGCCAGATCCTCCCTGACTTCCTGCAGGAGC-3'
Protein context (NP_001025054.1, residues 252-272): AWPLKKREPQ[Glu262Asp]QPNLLQQLLQ

ClinVar aggregate classification (germline): Uncertain significance (1 of 4 stars; one submission).

Submission:

Labcorp Genetics (formerly Invitae), Labcorp
Classification: Uncertain significance. Last evaluated: 2021-05-25. Review status: criteria provided, single submitter. Criteria: Invitae Variant Classification Sherloc (09022015). Collection method: clinical testing. Allele origin: germline.
Comment: In summary, the available evidence is currently insufficient to determine the role of this variant in disease. Therefore, it has been classified as a Variant of Uncertain Significance. Algorithms developed to predict the effect of missense changes on protein structure and function output the following: SIFT: "Deleterious"; PolyPhen-2: "Benign"; Align-GVGD: "Class C35". The aspartic acid amino acid residue is found in multiple mammalian species, suggesting that this missense change does not adversely affect protein function. These predictions have not been confirmed by published functional studies and their clinical significance is uncertain. This variant has not been reported in the literature in individuals with PCARE-related conditions. This variant is not present in population databases (ExAC no frequency). This sequence change replaces glutamic acid with aspartic acid at codon 262 of the PCARE protein (p.Glu262Asp). The glutamic acid residue is highly conserved and there is a small physicochemical difference between glutamic acid and aspartic acid.